The following is an entry in ClinVar:

NM_018196.4(TMLHE):c.522C>T (p.Asn174=)

Gene: TMLHE (trimethyllysine hydroxylase, epsilon; minus strand). Cytogenetic location: Xq28.
Variant type: single nucleotide variant.
Coding change: c.522C>T on transcript NM_018196.4 (MANE Select); coding-DNA position 522, C replaced by T.
Protein change: p.Asn174=; no amino-acid change (asparagine 174 retained).
Molecular consequence: synonymous variant.
Genome position (GRCh38, 1-based): chrX:155,514,102, G>A on the plus strand (C>T on the coding strand, the complement: TMLHE is on the minus strand). VCF-style: chrX-155514102-G-A. GRCh37 (hg19) VCF-style: chrX-154743763-G-A.
Other names: c.522C>T, p.Asn174= (NM_001184797.2).
Identifiers: ClinVar variation 3038969 (VCV003038969.3), dbSNP rs782410779, ClinGen allele CA10569519.

ClinVar aggregate classification (germline): Likely benign. Review status: criteria provided, single submitter (1 of 4 stars). 2 submissions from 2 submitters: Likely benign (1). 1 of the submissions does not count toward it. Last evaluated 2023-11-28.

Conditions:
TMLHE-related disorder. Also called: TMLHE-related condition.

Allele frequency attached by ClinVar (database versions not stated): gnomAD exomes 0.00004; ExAC 0.00005; gnomAD 0.00009; TOPMed 0.00039.
gnomAD v4.1: 64 of 1,209,232 alleles (0.0053%); highest among the groups gnomAD compares: East Asian, 0.033%; no homozygotes.

Submissions (2):

Blueprint Genetics
Classification: Likely benign. Last evaluated: 2023-11-28. Review status: criteria provided, single submitter. Criteria: ACMG Guidelines, 2015. Collection method: clinical testing. Allele origin: germline.

PreventionGenetics, part of Exact Sciences
Classification: Likely benign for TMLHE-related condition. Last evaluated: 2019-05-21. Review status: no assertion criteria provided. Collection method: clinical testing. Allele origin: germline. Not counted in ClinVar's aggregate classification.
Comment: This variant is classified as likely benign based on ACMG/AMP sequence variant interpretation guidelines (Richards et al. 2015 PMID: 25741868, with internal and published modifications).